The following is an entry in ClinVar:

ClinVar aggregate classification (germline): Benign. Review status: criteria provided, multiple submitters, no conflicts (2 of 4 stars). 2 submissions from 2 submitters: Benign (2). Last evaluated 2018-01-13.

Conditions:
3-methylcrotonyl-CoA carboxylase 2 deficiency. Also called: METHYLCROTONYLGLYCINURIA, TYPE II; 3 alpha methylcrotonyl-CoA carboxylase 2 deficiency; 3 alpha methylcrotonylglycinuria 2; MCC 2 deficiency; Methylcrotonylglycinuria type 2. Identifiers: Orphanet 6, MedGen C1859499, MONDO:0008862, OMIM 210210.

Allele frequency attached by ClinVar (database versions not stated): gnomAD 0.28389 and 0.29062; TOPMed 0.30325; 1000 Genomes Project 30x 0.31730; 1000 Genomes Project 0.32069; gnomAD exomes 0.38889.

Submissions (2):

Illumina Laboratory Services, Illumina
Classification: Benign for 3-methylcrotonyl-CoA carboxylase 2 deficiency. Last evaluated: 2018-01-13. Review status: criteria provided, single submitter. Criteria: ICSL Variant Classification Criteria 13 December 2019. Collection method: clinical testing. Allele origin: germline.
Comment: This variant was observed in the ICSL laboratory as part of a predisposition screen in an ostensibly healthy population. It had not been previously curated by ICSL or reported in the Human Gene Mutation Database (HGMD: prior to June 1st, 2018), and was therefore a candidate for classification through an automated scoring system. Utilizing variant allele frequency, disease prevalence and penetrance estimates, and inheritance mode, an automated score was calculated to assess if this variant is too frequent to cause the disease. Based on the score and internal cut-off values, a variant classified as benign is not then subjected to further curation. The score for this variant resulted in a classification of benign for this disease.

Breakthrough Genomics
Classification: Benign. Review status: criteria provided, single submitter. Criteria: ACMG Guidelines, 2015. Collection method: not provided. Allele origin: germline. Inheritance: Autosomal recessive inheritance. Affected: yes.

NM_022132.5(MCCC2):c.*1198C>T

Gene: MCCC2 (methylcrotonyl-CoA carboxylase subunit 2; plus strand). Cytogenetic location: 5q13.2.
Variant type: single nucleotide variant.
Coding change: c.*1198C>T on transcript NM_022132.5 (MANE Select); 1198 bases downstream of the stop codon, C replaced by T.
Molecular consequence: 3 prime UTR variant.
Genome position (GRCh38, 1-based): chr5:71,658,058, C>T. VCF-style: chr5-71658058-C-T. GRCh37 (hg19) VCF-style: chr5-70953885-C-T.
Other names: c.*1198C>T (NM_001363147.1).
Identifiers: ClinVar variation 354124 (VCV000354124.6), dbSNP rs277975, ClinGen allele CA10622125.